The following is an entry in ClinVar:

ClinVar aggregate classification (germline): Uncertain significance (1 of 4 stars; one submission).

Conditions:
Charcot-Marie-Tooth disease type 4A. Also called: Charcot-Marie-Tooth disease, demyelinating, autosomal recessive, type 4a. Identifiers: Orphanet 99948, MedGen C1859198, MONDO:0008961, OMIM 214400.

Submission:

Labcorp Genetics (formerly Invitae), Labcorp
Classification: Uncertain significance for Charcot-Marie-Tooth disease type 4A. Last evaluated: 2022-07-24. Review status: criteria provided, single submitter. Criteria: Invitae Variant Classification Sherloc (09022015). Collection method: clinical testing. Allele origin: germline.
Comment: This sequence change falls in intron 1 of the GDAP1 gene. It does not directly change the encoded amino acid sequence of the GDAP1 protein. This variant is not present in population databases (gnomAD no frequency). This variant has not been reported in the literature in individuals affected with GDAP1-related conditions. Algorithms developed to predict the effect of sequence changes on RNA splicing suggest that this variant may disrupt the consensus splice site. In summary, the available evidence is currently insufficient to determine the role of this variant in disease. Therefore, it has been classified as a Variant of Uncertain Significance.

NM_018972.4(GDAP1):c.118-8T>G

Gene: GDAP1 (ganglioside induced differentiation associated protein 1; plus strand). Cytogenetic location: 8q21.11.
Variant type: single nucleotide variant.
Coding change: c.118-8T>G on transcript NM_018972.4 (MANE Select); 8 bases into the intron before coding-DNA position 118, T replaced by G.
Molecular consequence: intron variant.
Genome position (GRCh38, 1-based): chr8:74,351,266, T>G. VCF-style: chr8-74351266-T-G. GRCh37 (hg19) VCF-style: chr8-75263501-T-G.
Other names: c.118-8T>G (NM_001362931.2, NM_001362930.2); c.-65-8T>G (NM_001362929.2); c.-18+688T>G (NM_001362932.2); c.-63-32T>G (NM_001040875.4).
Identifiers: ClinVar variation 2017087 (VCV002017087.4), dbSNP rs2536724573, ClinGen allele CA2580078939.